The following is an entry in ClinVar:

ClinVar aggregate classification (germline): Uncertain significance. Review status: criteria provided, multiple submitters, no conflicts (2 of 4 stars). 2 submissions from 2 submitters: Uncertain significance (2). Last evaluated 2024-10-28.

Conditions:
Granulomatous disease, chronic, autosomal recessive, cytochrome b-positive, type 3. Also called: CGD, AUTOSOMAL RECESSIVE CYTOCHROME b-POSITIVE, TYPE III; GRANULOMATOUS DISEASE, CHRONIC, AUTOSOMAL RECESSIVE, 3; Granulomatous disease, chronic, autosomal recessive, cytochrome b-positive, type III; GRANULOMATOUS DISEASE, CHRONIC, DUE TO NCF4 DEFICIENCY. Identifiers: Orphanet 379, MedGen C3151409, MONDO:0013507, OMIM 613960.

Allele frequency attached by ClinVar (database versions not stated): TOPMed 0.00005; ESP Exome Variant Server 0.00023.

Submissions (2):

Blueprint Genetics
Classification: Uncertain significance. Last evaluated: 2024-10-28. Review status: criteria provided, single submitter. Criteria: ACMG Guidelines, 2015. Collection method: clinical testing. Allele origin: germline.

Labcorp Genetics (formerly Invitae), Labcorp
Classification: Uncertain significance for Granulomatous disease, chronic, autosomal recessive, cytochrome b-positive, type 3. Last evaluated: 2022-10-13. Review status: criteria provided, single submitter. Criteria: Invitae Variant Classification Sherloc (09022015). Collection method: clinical testing. Allele origin: germline.
Comment: This sequence change replaces arginine, which is basic and polar, with tryptophan, which is neutral and slightly polar, at codon 202 of the NCF4 protein (p.Arg202Trp). This variant is present in population databases (rs138411102, gnomAD 0.07%). This variant has not been reported in the literature in individuals affected with NCF4-related conditions. ClinVar contains an entry for this variant (Variation ID: 1051984). Algorithms developed to predict the effect of missense changes on protein structure and function are either unavailable or do not agree on the potential impact of this missense change (SIFT: "Tolerated"; PolyPhen-2: "Probably Damaging"; Align-GVGD: "Class C0"). In summary, the available evidence is currently insufficient to determine the role of this variant in disease. Therefore, it has been classified as a Variant of Uncertain Significance.

NM_000631.5(NCF4):c.604C>T (p.Arg202Trp)

Gene: NCF4 (neutrophil cytosolic factor 4; plus strand). Cytogenetic location: 22q12.3.
Variant type: single nucleotide variant.
Coding change: c.604C>T on transcript NM_000631.5 (MANE Select); coding-DNA position 604, C replaced by T.
Protein change: p.Arg202Trp; replaces arginine 202 with tryptophan.
Molecular consequence: missense variant.
Genome position (GRCh38, 1-based): chr22:36,872,402, C>T. VCF-style: chr22-36872402-C-T. GRCh37 (hg19) VCF-style: chr22-37268444-C-T.
Other names: c.604C>T, p.Arg202Trp (NM_013416.4); short protein forms R202W.
Identifiers: ClinVar variation 1051984 (VCV001051984.5), dbSNP rs138411102, ClinGen allele CA10213089.
Genomic context (GRCh38, chr22:36,872,402, plus strand): 5'-ACTGGAAACAGCAAACTGGAGCTGAATTTCAAAGCTGGAGATGTGATCTTCCTCCTCAGT[C>T]GGATCAACAAAGACTGGCTGGAGGTGAGTTCAGAAGTGAGGATGGAGGTGAGATTGAAGG-3'
Protein context (NP_000622.2, residues 192-212): KAGDVIFLLS[Arg202Trp]INKDWLEGTV